The following is an entry in ClinVar:

ClinVar aggregate classification (germline): Conflicting classifications of pathogenicity. Review status: criteria provided, conflicting classifications (1 of 4 stars). 4 submissions from 4 submitters: Uncertain significance (2); Likely benign (1). 1 of the submissions does not count toward it. Last evaluated 2025-11-18.

Conditions:
DNAH5-related disorder. Also called: DNAH5-related condition.
Primary ciliary dyskinesia. Also called: Ciliary dyskinesia. Identifiers: Orphanet 244, MedGen C0008780, MONDO:0016575, HP:0012265.

Allele frequency attached by ClinVar (database versions not stated): ExAC 0.00001; TOPMed 0.00002; gnomAD exomes 0.00004.
gnomAD v4.1: 31 of 1,613,792 alleles (0.0019%); highest among the groups gnomAD compares: Admixed American, 0.0083%; no homozygotes.

Submissions (4):

Labcorp Genetics (formerly Invitae), Labcorp
Classification: Likely benign for Primary ciliary dyskinesia. Last evaluated: 2025-11-18. Review status: criteria provided, single submitter. Criteria: Invitae Variant Classification Sherloc (09022015). Collection method: clinical testing. Allele origin: germline.

PreventionGenetics, part of Exact Sciences
Classification: Uncertain significance for DNAH5-related condition. Last evaluated: 2025-02-26. Review status: criteria provided, single submitter. Criteria: ACMG Guidelines, 2015. Collection method: clinical testing. Allele origin: germline.
Comment: The DNAH5 c.506C>T variant is predicted to result in the amino acid substitution p.Ser169Leu. This variant has been reported in a tumor sample from an individual with angioimmunoblastic T-cell lymphoma (Pastoret et al. 2021. PubMed ID: 33512451). This variant is reported in 0.014% of alleles in individuals of Latino descent in gnomAD. At this time, the clinical significance of this variant is uncertain due to the absence of conclusive functional and genetic evidence.

Ambry Genetics
Classification: Uncertain significance for Primary ciliary dyskinesia. Last evaluated: 2015-06-10. Review status: criteria provided, single submitter. Criteria: Ambry Variant Classification Scheme 2023. Collection method: clinical testing. Allele origin: germline.
Comment: The p.S169L variant (also known as c.506C>T), located in coding exon 5 of the DNAH5 gene, results from a C to T substitution at nucleotide position 506. The serine at codon 169 is replaced by leucine, an amino acid with dissimilar properties. This variant was not reported in population based cohorts in the following databases: Database of Single Nucleotide Polymorphisms (dbSNP), NHLBI Exome Sequencing Project (ESP), and 1000 Genomes Project. In the ESP, this variant was not observed in 6503 samples (13006 alleles) with coverage at this position. This amino acid position is well conserved in available vertebrate species. In addition, this alteration is predicted to be tolerated by in silico analysis. Since supporting evidence is limited at this time, the clinical significance of this variant remains unclear.

Natera, Inc.
Classification: Uncertain significance for Primary ciliary dyskinesia. Last evaluated: 2021-01-20. Review status: no assertion criteria provided. Collection method: clinical testing. Allele origin: germline. Not counted in ClinVar's aggregate classification.

NM_001369.3(DNAH5):c.506C>T (p.Ser169Leu)

Gene: DNAH5 (dynein axonemal heavy chain 5; minus strand). Cytogenetic location: 5p15.2.
Variant type: single nucleotide variant.
Coding change: c.506C>T on transcript NM_001369.3 (MANE Select); coding-DNA position 506, C replaced by T.
Protein change: p.Ser169Leu; replaces serine 169 with leucine.
Molecular consequence: missense variant.
Genome position (GRCh38, 1-based): chr5:13,922,261, G>A on the plus strand (C>T on the coding strand, the complement: DNAH5 is on the minus strand). VCF-style: chr5-13922261-G-A. GRCh37 (hg19) VCF-style: chr5-13922370-G-A.
Other names: short protein forms S169L.
Identifiers: ClinVar variation 407246 (VCV000407246.18), dbSNP rs749078502, ClinGen allele CA3205163.